The following is an entry in ClinVar:

ClinVar aggregate classification (germline): Likely pathogenic (1 of 4 stars; one submission).

Conditions:
Inborn genetic diseases. Identifiers: MedGen C0950123, MeSH D030342.

Submission:

Ambry Genetics
Classification: Likely pathogenic for Inborn genetic diseases. Last evaluated: 2023-05-06. Review status: criteria provided, single submitter. Criteria: Ambry Variant Classification Scheme 2023. Collection method: clinical testing. Allele origin: germline.
Comment: The c.1030G>A (p.D344N) alteration is located in exon 8 (coding exon 8) of the FGG gene. This alteration results from a G to A substitution at nucleotide position 1030, causing the aspartic acid (D) at amino acid position 344 to be replaced by an asparagine (N). This variant was not reported in population-based cohorts in the Genome Aggregation Database (gnomAD). This variant was identified in a patient with abdominal pain, history of ischemic stroke, a partially thrombosed abdominal aortic aneurysm, prolonged lengthened thrombin time, and a significant decrease in fibrinogen concentration (Tamayo-Velasco, 2022). This amino acid position is highly conserved in available vertebrate species. The p.D344 amino acid is located in the D-domain Ca2+ binding site of the fibrinogen gamma chain (Dang, 1985). The binding of Ca2+ to fibrinogen is necessary for proper function. The fibrinogen gamma chain Ca2+ binding motif is located between amino acid residues 341 - 354 (WDNDNDKFEGNCAE) and is highly homologous to the Ca2+ binding site of calmodulin and parvalbumin (Dang, 1985). This alteration is predicted to be tolerated by in silico analysis. Based on the available evidence, this alteration is classified as likely pathogenic.

Literature cited by the submitters: PubMed 3160702; PubMed 7740487; PubMed 10613648; PubMed 18832913; PubMed 35821906.

NM_021870.3(FGG):c.1030G>A (p.Asp344Asn)

Gene: FGG (fibrinogen gamma chain; minus strand). Cytogenetic location: 4q32.1.
Variant type: single nucleotide variant.
Coding change: c.1030G>A on transcript NM_021870.3 (MANE Select); coding-DNA position 1030, G replaced by A.
Protein change: p.Asp344Asn; replaces aspartic acid 344 with asparagine.
Molecular consequence: missense variant.
Genome position (GRCh38, 1-based): chr4:154,606,804, C>T on the plus strand (G>A on the coding strand, the complement: FGG is on the minus strand). VCF-style: chr4-154606804-C-T. GRCh37 (hg19) VCF-style: chr4-155527956-C-T.
Other names: c.1030G>A, p.Asp344Asn (NM_000509.6); short protein forms D344N.
Identifiers: ClinVar variation 521192 (VCV000521192.5), dbSNP rs1553965518, ClinGen allele CA358535752.